The following is an entry in ClinVar:

ClinVar aggregate classification (germline): Uncertain significance. Review status: criteria provided, multiple submitters, no conflicts (2 of 4 stars). 3 submissions from 3 submitters: Uncertain significance (3). Last evaluated 2025-11-10.

Conditions:
Arrhythmogenic cardiomyopathy with wooly hair and keratoderma. Also called: Carvajal syndrome; Dilated cardiomyopathy with woolly hair and keratoderma; PALMOPLANTAR KERATODERMA WITH LEFT VENTRICULAR CARDIOMYOPATHY AND WOOLLY HAIR; Arrhythmogenic cardiomyopathy with woolly hair and keratoderma. Identifiers: Orphanet 65282, MedGen C1854063, MONDO:0011581, OMIM 605676.
Arrhythmogenic right ventricular dysplasia 8 (ARVD8). Also called: ARRHYTHMOGENIC RIGHT VENTRICULAR DYSPLASIA, FAMILIAL, 8; ARRHYTHMOGENIC RIGHT VENTRICULAR CARDIOMYOPATHY 8; Arrhythmogenic Right Ventricular Dysplasia/Cardiomyopathy 8. Identifiers: MedGen C1843896, MONDO:0011831, OMIM 607450.

Allele frequency attached by ClinVar (database versions not stated): gnomAD exomes below 0.00001 and 0.00001; ExAC 0.00001.
gnomAD v4.1: 3 of 1,614,046 alleles (0.00019%); highest among the groups gnomAD compares: Non-Finnish European, 0.00025%; no homozygotes.

Submissions (3):

Dasa
Classification: Uncertain significance. Last evaluated: 2025-11-10. Review status: criteria provided, single submitter. Criteria: DASA Assertion Criteria. Collection method: clinical testing. Allele origin: germline.
Comment: NM_004415.4(DSP):c.1283T>A (p.Ile428Asn) is a missense variant that results in the substitution of isoleucine with asparagine. This variant is rare in population databases. Computational prediction algorithms are consistent with a deleterious effect. The currently available literature and clinical evidence are not sufficient to establish a definitive association between this variant and the reported condition. Therefore, this variant is classified as a variant of uncertain significance.

All of Us Research Program, National Institutes of Health
Classification: Uncertain significance for Arrhythmogenic cardiomyopathy with wooly hair and keratoderma. Last evaluated: 2024-05-09. Review status: criteria provided, single submitter. Criteria: ACMG Guidelines, 2015. Collection method: clinical testing. Allele origin: germline. Inheritance: Autosomal dominant inheritance. Observed: 1 variant allele, 1 heterozygote.
Comment: This study involves interpretation of variants in research participants for the purpose of population health screening. Participant phenotype was not available at the time of variant classification. Additional details can be found in publication PMID: 35346344, PMCID: PMC8962531

Labcorp Genetics (formerly Invitae), Labcorp
Classification: Uncertain significance for Arrhythmogenic cardiomyopathy with wooly hair and keratoderma; Arrhythmogenic right ventricular dysplasia 8. Last evaluated: 2023-10-09. Review status: criteria provided, single submitter. Criteria: Invitae Variant Classification Sherloc (09022015). Collection method: clinical testing. Allele origin: germline.
Comment: This sequence change replaces isoleucine, which is neutral and non-polar, with asparagine, which is neutral and polar, at codon 428 of the DSP protein (p.Ile428Asn). This variant is present in population databases (rs760246407, gnomAD 0.002%). This variant has not been reported in the literature in individuals affected with DSP-related conditions. ClinVar contains an entry for this variant (Variation ID: 1513151). An algorithm developed to predict the effect of missense changes on protein structure and function (PolyPhen-2) suggests that this variant is likely to be disruptive. In summary, the available evidence is currently insufficient to determine the role of this variant in disease. Therefore, it has been classified as a Variant of Uncertain Significance.

NM_004415.4(DSP):c.1283T>A (p.Ile428Asn)

Gene: DSP (desmoplakin; plus strand). Cytogenetic location: 6p24.3.
Variant type: single nucleotide variant.
Coding change: c.1283T>A on transcript NM_004415.4 (MANE Select); coding-DNA position 1283, T replaced by A.
Protein change: p.Ile428Asn; replaces isoleucine 428 with asparagine.
Molecular consequence: missense variant.
Genome position (GRCh38, 1-based): chr6:7,568,453, T>A. VCF-style: chr6-7568453-T-A. GRCh37 (hg19) VCF-style: chr6-7568686-T-A.
Other names: c.1283T>A, p.Ile428Asn (NM_001008844.3, NM_001319034.2); short protein forms I428N.
Identifiers: ClinVar variation 1513151 (VCV001513151.9), dbSNP rs760246407, ClinGen allele CA027532.